The following is an entry in ClinVar:

NM_000059.4(BRCA2):c.7003_7007del (p.Phe2335fs)

Gene: BRCA2 (BRCA2 DNA repair associated; plus strand). Cytogenetic location: 13q13.1.
Variant type: Deletion.
Coding change: c.7003_7007del on transcript NM_000059.4 (MANE Select); coding-DNA positions 7003 to 7007, 5 bases deleted (TTTCG; older notation c.7003_7007delTTTCG).
Protein change: p.Phe2335fs; shifts the reading frame from phenylalanine 2335.
Molecular consequence: frameshift variant.
Genome position (GRCh38, 1-based): chr13:32,346,892-32,346,896, TTTCG deleted. VCF-style (leftmost placement, unchanged base first): chr13-32346891-CTTTCG-C. GRCh37 (hg19) VCF-style: chr13-32921028-CTTTCG-C.
Other names: 7231del5; c.7003_7007delTTTCG (NM_000059.3); short protein forms F2335fs.
Identifiers: ClinVar variation 52235 (VCV000052235.4), dbSNP rs80359632, ClinGen allele CA024691.

ClinVar aggregate classification (germline): Pathogenic. Review status: reviewed by expert panel (3 of 4 stars). 3 submissions from 3 submitters: Pathogenic (1). 2 of the submissions do not count toward it. Last evaluated 2016-09-08.

Conditions:
Hereditary breast ovarian cancer syndrome. Also called: Hereditary breast and ovarian cancer syndrome; Hereditary breast and ovarian cancer; Hereditary breast and ovarian cancer syndrome (HBOC); Breast and ovarian cancer; Hereditary breast and/or ovarian cancer syndrome; BRCA1- and BRCA2-Associated Hereditary Breast and Ovarian Cancer. Identifiers: Orphanet 145, MedGen C0677776, MeSH D061325, MONDO:0003582. Disease mechanism: loss of function.
Breast-ovarian cancer, familial, susceptibility to, 2 (BROVCA2). Also called: BRCA2 Hereditary Breast and Ovarian Cancer. Identifiers: Orphanet 145, MedGen C2675520, MONDO:0012933, OMIM 612555. Disease mechanism: loss of function.

Submissions (3):

Evidence-based Network for the Interpretation of Germline Mutant Alleles (ENIGMA)
Classification: Pathogenic for Breast-ovarian cancer, familial, susceptibility to, 2. Last evaluated: 2016-09-08. Review status: reviewed by expert panel. Criteria: ENIGMA BRCA1/2 Classification Criteria (2015). Collection method: curation. Allele origin: germline.
Comment: Variant allele predicted to encode a truncated non-functional protein.

Research Molecular Genetics Laboratory, Women's College Hospital, University of Toronto
Classification: Pathogenic for Hereditary breast ovarian cancer syndrome. Last evaluated: 2014-01-31. Review status: no assertion criteria provided. Collection method: research. Allele origin: germline. Affected: yes. Study: The Canadian Open Genetics Repository (COGR). Not counted in ClinVar's aggregate classification.

Breast Cancer Information Core (BIC) (BRCA2)
Classification: Pathogenic for Breast-ovarian cancer, familial 2. Last evaluated: 2002-05-29. Review status: no assertion criteria provided. Collection method: clinical testing. Allele origin: germline, unknown. Affected: yes. Observed: 2 variant alleles. Not counted in ClinVar's aggregate classification.